The following is an entry in ClinVar:

NM_000548.5(TSC2):c.2838-125C>T

Gene: TSC2 (TSC complex subunit 2; plus strand). Cytogenetic location: 16p13.3.
Variant type: single nucleotide variant.
Coding change: c.2838-125C>T on transcript NM_000548.5 (MANE Select); 125 bases into the intron before coding-DNA position 2838, C replaced by T.
Molecular consequence: intron variant.
Genome position (GRCh38, 1-based): chr16:2,077,473, C>T. VCF-style: chr16-2077473-C-T. GRCh37 (hg19) VCF-style: chr16-2127474-C-T.
Other names: c.1493+888C>T (NM_001406693.1, NM_001406690.1, NM_001406692.1 and 5 more transcripts); c.2927+888C>T (NM_001406667.1, NM_001406668.1); c.2238-125C>T (NM_001406680.1, NM_001406683.1, NM_001406682.1 and 1 more transcripts); c.2237+888C>T (NM_001406687.1, NM_001406685.1, NM_001318831.2 and 2 more transcripts); c.1494-125C>T (NM_001406689.1); c.1235+888C>T (NM_001406698.1); c.2838-125C>T (NM_001114382.3, NM_001406663.1, NM_001406664.1); c.2837+888C>T (NM_021055.3, NM_001370405.1, NM_001363528.2 and 3 more transcripts); and 8 more.
Identifiers: ClinVar variation 3037050 (VCV003037050.2), dbSNP rs1398461337, ClinGen allele CA620377198.

ClinVar aggregate classification (germline): Likely benign (0 of 4 stars; one submission).

Conditions:
TSC2-related disorder. Also called: TSC2-Related Disorders; TSC2-related condition.

Allele frequency attached by ClinVar (database versions not stated): gnomAD 0.00001; TOPMed 0.00002.
gnomAD v4.1: 11 of 1,446,264 alleles (0.00076%); highest among the groups gnomAD compares: East Asian, 0.011%; no homozygotes.

Submission:

PreventionGenetics, part of Exact Sciences
Classification: Likely benign for TSC2-related condition. Last evaluated: 2023-03-10. Review status: no assertion criteria provided. Collection method: clinical testing. Allele origin: germline.
Comment: This variant is classified as likely benign based on ACMG/AMP sequence variant interpretation guidelines (Richards et al. 2015 PMID: 25741868, with internal and published modifications).